The following is an entry in ClinVar:

ClinVar aggregate classification (germline): Likely benign. Review status: criteria provided, multiple submitters, no conflicts (2 of 4 stars). 3 submissions from 3 submitters: Likely benign (3). Last evaluated 2025-10-29.

Conditions:
RYR1-related disorder. Also called: RYR1-related disorders; RYR1-related condition. Identifiers: MedGen CN239331.
Malignant hyperthermia, susceptibility to, 1 (MHS1). Also called: RYR1-Related Malignant Hyperthermia Susceptibility; Anesthesia related hyperthermia; Malignant hyperpyrexia; Fulminating hyperpyrexia; Pharmacogenic myopathy; Malignant hyperthermia suceptibility 1. Identifiers: Orphanet 423, MedGen C2930980, MONDO:0007783, OMIM 145600.

Allele frequency attached by ClinVar (database versions not stated): gnomAD exomes 0.00001 and 0.00002; ExAC 0.00003; TOPMed 0.00005; gnomAD 0.00008 and 0.00009.
gnomAD v4.1: 19 of 1,613,938 alleles (0.0012%); highest among the groups gnomAD compares: African/African-American, 0.024%; no homozygotes.

Submissions (3):

Labcorp Genetics (formerly Invitae), Labcorp
Classification: Likely benign for RYR1-related disorder. Last evaluated: 2025-10-29. Review status: criteria provided, single submitter. Criteria: Invitae Variant Classification Sherloc (09022015). Collection method: clinical testing. Allele origin: germline.

Color Diagnostics, LLC DBA Color Health
Classification: Likely benign for Malignant hyperthermia, susceptibility to, 1. Last evaluated: 2022-11-06. Review status: criteria provided, single submitter. Criteria: ACMG Guidelines, 2015. Collection method: clinical testing. Allele origin: germline.

GeneDx
Classification: Likely benign. Last evaluated: 2017-12-01. Review status: criteria provided, single submitter. Criteria: GeneDx Variant Classification (06012015). Collection method: clinical testing. Allele origin: germline. Affected: yes.
Comment: This variant is considered likely benign or benign based on one or more of the following criteria: it is a conservative change, it occurs at a poorly conserved position in the protein, it is predicted to be benign by multiple in silico algorithms, and/or has population frequency not consistent with disease.

NM_000540.3(RYR1):c.2601G>A (p.Glu867=)

Gene: RYR1 (ryanodine receptor 1; plus strand). Cytogenetic location: 19q13.2.
Variant type: single nucleotide variant.
Coding change: c.2601G>A on transcript NM_000540.3 (MANE Select); coding-DNA position 2601, G replaced by A.
Protein change: p.Glu867=; no amino-acid change (glutamic acid 867 retained).
Molecular consequence: synonymous variant.
Genome position (GRCh38, 1-based): chr19:38,463,446, G>A. VCF-style: chr19-38463446-G-A. GRCh37 (hg19) VCF-style: chr19-38954086-G-A.
Other names: c.2601G>A, p.Glu867= (NM_001042723.2).
Identifiers: ClinVar variation 390666 (VCV000390666.9), dbSNP rs762533729, ClinGen allele CA063584.